The following is an entry in ClinVar:

ClinVar aggregate classification (germline): Uncertain significance. Review status: criteria provided, multiple submitters, no conflicts (2 of 4 stars). 2 submissions from 2 submitters: Uncertain significance (2). Last evaluated 2024-06-06.

Submissions (2):

Blueprint Genetics
Classification: Uncertain significance. Last evaluated: 2024-06-06. Review status: criteria provided, single submitter. Criteria: ACMG Guidelines, 2015. Collection method: clinical testing. Allele origin: germline.

Labcorp Genetics (formerly Invitae), Labcorp
Classification: Uncertain significance. Last evaluated: 2023-11-27. Review status: criteria provided, single submitter. Criteria: Invitae Variant Classification Sherloc (09022015). Collection method: clinical testing. Allele origin: germline.
Comment: This sequence change creates a premature translational stop signal (p.Asn1158Lysfs*36) in the GPR179 gene. While this is not anticipated to result in nonsense mediated decay, it is expected to disrupt the last 1210 amino acid(s) of the GPR179 protein. This variant is present in population databases (no rsID available, gnomAD 0.006%). This variant has not been reported in the literature in individuals affected with GPR179-related conditions. ClinVar contains an entry for this variant (Variation ID: 1481895). Experimental studies and prediction algorithms are not available or were not evaluated, and the functional significance of this variant is currently unknown. In summary, the available evidence is currently insufficient to determine the role of this variant in disease. Therefore, it has been classified as a Variant of Uncertain Significance.

NM_001004334.4(GPR179):c.3473dup (p.Asn1158fs)

Gene: GPR179 (G protein-coupled receptor 179; minus strand). Cytogenetic location: 17q12.
Variant type: Duplication.
Coding change: c.3473dup on transcript NM_001004334.4 (MANE Select); coding-DNA position 3473, one base duplicated (A; older notation c.3473dupA).
Protein change: p.Asn1158fs; shifts the reading frame from asparagine 1158.
Molecular consequence: frameshift variant.
Genome position (GRCh38, 1-based): chr17:38,330,096, T duplicated on the plus strand (A on the coding strand, the reverse complement: GPR179 is on the minus strand); the first of 2 consecutive T bases (chr17:38,330,096-38,330,097); duplicating either gives the same sequence. VCF-style (leftmost placement, unchanged base first): chr17-38330095-G-GT. GRCh37 (hg19) VCF-style: chr17-36485978-G-GT.
Other names: short protein forms N1158fs.
Identifiers: ClinVar variation 1481895 (VCV001481895.7), dbSNP rs1237570538, ClinGen allele CA771683632.